The following is an entry in ClinVar:

NM_005219.5(DIAPH1):c.3775A>G (p.Thr1259Ala)

Gene: DIAPH1 (diaphanous related formin 1; minus strand). Cytogenetic location: 5q31.3.
Variant type: single nucleotide variant.
Coding change: c.3775A>G on transcript NM_005219.5 (MANE Select); coding-DNA position 3775, A replaced by G.
Protein change: p.Thr1259Ala; replaces threonine 1259 with alanine.
Molecular consequence: missense variant. On other transcripts: 3 prime UTR variant (1).
Genome position (GRCh38, 1-based): chr5:141,516,895, T>C on the plus strand (A>G on the coding strand, the complement: DIAPH1 is on the minus strand). VCF-style: chr5-141516895-T-C. GRCh37 (hg19) VCF-style: chr5-140896462-T-C.
Other names: c.3748A>G, p.Thr1250Ala (NM_001079812.3); c.*75A>G (NM_001314007.2); short protein forms T1259A, T1250A.
Identifiers: ClinVar variation 2939292 (VCV002939292.3), dbSNP rs2513594318, ClinGen allele CA361571930.

ClinVar aggregate classification (germline): Uncertain significance (1 of 4 stars; one submission).

Conditions:
Progressive microcephaly-seizures-cortical blindness-developmental delay syndrome. Also called: Seizures, cortical blindness, and microcephaly syndrome. Identifiers: Orphanet 477814, MedGen C5567650, MONDO:0014714, OMIM 616632.
Autosomal dominant nonsyndromic hearing loss 1. Also called: KONIGSMARK SYNDROME; DEAFNESS, AUTOSOMAL DOMINANT 1, WITH OR WITHOUT THROMBOCYTOPENIA. Identifiers: Orphanet 90635, MedGen C1852282, MONDO:0007424, OMIM 124900.

Submission:

Labcorp Genetics (formerly Invitae), Labcorp
Classification: Uncertain significance for Progressive microcephaly-seizures-cortical blindness-developmental delay syndrome; Autosomal dominant nonsyndromic hearing loss 1. Last evaluated: 2023-11-19. Review status: criteria provided, single submitter. Criteria: Invitae Variant Classification Sherloc (09022015). Collection method: clinical testing. Allele origin: germline.
Comment: This sequence change replaces threonine, which is neutral and polar, with alanine, which is neutral and non-polar, at codon 1259 of the DIAPH1 protein (p.Thr1259Ala). This variant is not present in population databases (gnomAD no frequency). This variant has not been reported in the literature in individuals affected with DIAPH1-related conditions. An algorithm developed to predict the effect of missense changes on protein structure and function (PolyPhen-2) suggests that this variant is likely to be tolerated. In summary, the available evidence is currently insufficient to determine the role of this variant in disease. Therefore, it has been classified as a Variant of Uncertain Significance.